The following is an entry in ClinVar:

ClinVar aggregate classification (germline): Uncertain significance. Review status: criteria provided, multiple submitters, no conflicts (2 of 4 stars). 3 submissions from 3 submitters: Uncertain significance (2). 1 of the submissions does not count toward it. Last evaluated 2021-09-01.

Conditions:
Citrin deficiency. Identifiers: Orphanet 247582, MedGen C1997910, MONDO:0016602.
Citrullinemia, type II, adult-onset (CDAA). Also called: CITRIN DEFICIENCY, ADOLESCENT OR ADULT ONSET. Identifiers: Orphanet 247585, MedGen CN295299, MONDO:0011326, OMIM 603471.
Neonatal intrahepatic cholestasis due to citrin deficiency (CDNI). Also called: Neonatal-onset citrullinemia type II; Neonatal-onset citrullinemia type 2; CITRIN DEFICIENCY, NEONATAL OR INFANTILE ONSET; Neonatal Intrahepatic Cholestasis Caused by Citrin Deficiency (NICCD). Identifiers: Orphanet 247598, MedGen C1853942, MONDO:0011601, OMIM 605814.
Citrullinemia. Identifiers: Orphanet 187, MedGen C0175683, MONDO:0015991.

Allele frequency attached by ClinVar (database versions not stated): gnomAD 0.00001; gnomAD exomes 0.00001 and 0.00004; TOPMed 0.00001; ExAC 0.00003.

Submissions (3):

Labcorp Genetics (formerly Invitae), Labcorp
Classification: Uncertain significance for Citrin deficiency. Last evaluated: 2021-09-01. Review status: criteria provided, single submitter. Criteria: Invitae Variant Classification Sherloc (09022015). Collection method: clinical testing. Allele origin: germline.
Comment: This sequence change replaces aspartic acid with glycine at codon 270 of the SLC25A13 protein (p.Asp270Gly). The aspartic acid residue is highly conserved and there is a moderate physicochemical difference between aspartic acid and glycine. This variant is present in population databases (rs751343245, ExAC 0.05%). This variant has not been reported in the literature in individuals affected with SLC25A13-related conditions. Algorithms developed to predict the effect of missense changes on protein structure and function are either unavailable or do not agree on the potential impact of this missense change (SIFT: "Deleterious"; PolyPhen-2: "Possibly Damaging"; Align-GVGD: "Class C0"). In summary, the available evidence is currently insufficient to determine the role of this variant in disease. Therefore, it has been classified as a Variant of Uncertain Significance.

Juno Genomics, Hangzhou Juno Genomics, Inc
Classification: Uncertain significance for Citrullinemia, type II, adult-onset; Neonatal intrahepatic cholestasis due to citrin deficiency. Review status: criteria provided, single submitter. Criteria: ACMG Guidelines, 2015. Collection method: clinical testing. Allele origin: germline.
Comment: Absent from controls (or at extremely low frequency if recessive) in Genome Aggregation Database.;Multiple lines of computational evidence support a deleterious effect on the gene or gene product.

Natera, Inc.
Classification: Uncertain significance for Citrullinemia. Last evaluated: 2020-02-13. Review status: no assertion criteria provided. Collection method: clinical testing. Allele origin: germline. Not counted in ClinVar's aggregate classification.

NM_014251.3(SLC25A13):c.809A>G (p.Asp270Gly)

Gene: SLC25A13 (solute carrier family 25 member 13; minus strand). Cytogenetic location: 7q21.3.
Variant type: single nucleotide variant.
Coding change: c.809A>G on transcript NM_014251.3 (MANE Select); coding-DNA position 809, A replaced by G.
Protein change: p.Asp270Gly; replaces aspartic acid 270 with glycine.
Molecular consequence: missense variant. On other transcripts: non-coding transcript variant (1).
Genome position (GRCh38, 1-based): chr7:96,189,620, T>C on the plus strand (A>G on the coding strand, the complement: SLC25A13 is on the minus strand). VCF-style: chr7-96189620-T-C. GRCh37 (hg19) VCF-style: chr7-95818932-T-C.
Other names: c.809A>G, p.Asp270Gly (NM_001160210.2); short protein forms D270G.
Identifiers: ClinVar variation 1064379 (VCV001064379.5), dbSNP rs751343245, ClinGen allele CA4353153.